The following is an entry in ClinVar:

ClinVar aggregate classification (germline): Uncertain significance. Review status: criteria provided, single submitter (1 of 4 stars). 3 submissions from 3 submitters: Uncertain significance (1). 2 of the submissions do not count toward it. Last evaluated 2021-06-10.

Conditions:
DYRK1A-related intellectual disability syndrome (MRD7). Also called: Intellectual developmental disorder, autosomal dominant 7; DYRK1A Syndrome. Identifiers: Orphanet 464306, MedGen C5568143, MONDO:0013578, OMIM 614104.
Microcephaly. Also called: Microcephaly (disease). Identifiers: MedGen C4551563, MONDO:0001149, HP:0000252.
Intellectual disability. Also called: Intellectual functioning disability; intellectual disabilities; Intellectual developmental disorder. Identifiers: MedGen C3714756, MeSH D008607, MONDO:0001071, HP:0001249.
Absent or delayed speech development. Identifiers: MedGen C3276611.
Deeply set eye. Also called: Deep-set eyes; sunken eyes. Identifiers: MedGen C0423224, HP:0000490.
Seizure. Also called: Seizures. Identifiers: MedGen C0036572, HP:0001250.

Allele frequency attached by ClinVar (database versions not stated): gnomAD exomes below 0.00001.
gnomAD v4.1: 1 of 1,614,164 alleles (0.000062%); highest among the groups gnomAD compares: East Asian, 0.0022%; no homozygotes.

Submissions (3):

Equipe Genetique des Anomalies du Developpement, Université de Bourgogne
Classification: Uncertain significance for DYRK1A-related intellectual disability syndrome. Last evaluated: 2021-06-10. Review status: criteria provided, single submitter. Criteria: ACMG Guidelines, 2007. Collection method: clinical testing. Allele origin: de novo. Affected: yes.

Solve-RD Consortium
Classification: Likely pathogenic for DYRK1A-related intellectual disability syndrome. Last evaluated: 2022-06-01. Review status: no assertion criteria provided. Collection method: provider interpretation. Allele origin: inherited. Affected: yes. Not counted in ClinVar's aggregate classification.
Comment: Variant confirmed as disease-causing by referring clinical team

Variant identified during reanalysis of unsolved cases by the Solve-RD project. The Solve-RD project has received funding from the European Union’s Horizon 2020 research and innovation programme under grant agreement No 779257.

Greenwood Genetic Center Diagnostic Laboratories, Greenwood Genetic Center
Classification: Likely pathogenic for Intellectual disability; Microcephaly; Absent or delayed speech development; Seizures; Deeply set eye. Last evaluated: 2014-09-09. Review status: no assertion criteria provided. Collection method: clinical testing. Allele origin: de novo. Affected: yes. Not counted in ClinVar's aggregate classification.

Literature cited by the submitters: PubMed 39825153 (cited by Solve-RD Consortium).

NM_001347721.2(DYRK1A):c.1736C>A (p.Thr579Asn)

Gene: DYRK1A (dual specificity tyrosine phosphorylation regulated kinase 1A; plus strand). Cytogenetic location: 21q22.13.
Variant type: single nucleotide variant.
Coding change: c.1736C>A on transcript NM_001347721.2 (MANE Select); coding-DNA position 1736, C replaced by A.
Protein change: p.Thr579Asn; replaces threonine 579 with asparagine.
Molecular consequence: missense variant. On other transcripts: 3 prime UTR variant (2).
Genome position (GRCh38, 1-based): chr21:37,512,002, C>A. VCF-style: chr21-37512002-C-A. GRCh37 (hg19) VCF-style: chr21-38884305-C-A.
Other names: c.1736C>A, p.Thr579Asn (NM_001347722.2, NM_130436.2); c.1649C>A, p.Thr550Asn (NM_001347723.2); c.1763C>A, p.Thr588Asn (NM_001396.5); c.*139C>A (NM_101395.2); c.*48C>A (NM_130438.2); short protein forms T588N, T550N, T579N.
Identifiers: ClinVar variation 162160 (VCV000162160.8), dbSNP rs724159955, ClinGen allele CA249905.